The following is an entry in ClinVar:

ClinVar aggregate classification (germline): Pathogenic/Likely pathogenic. Review status: criteria provided, multiple submitters, no conflicts (2 of 4 stars). 3 submissions from 3 submitters: Pathogenic (2); Likely pathogenic (1). Last evaluated 2025-12-23.

Conditions:
Developmental and epileptic encephalopathy, 12 (DEE12). Identifiers: MedGen C3150988, MONDO:0013389, OMIM 613722.
Ataxia - oculomotor apraxia type 4. Identifiers: Orphanet 459033, MedGen C4225397, MONDO:0014557, OMIM 616267.

Allele frequency attached by ClinVar (database versions not stated): gnomAD exomes 0.00001; TOPMed 0.00001; ExAC 0.00004; ESP Exome Variant Server 0.00008.

Submissions (3):

Women's Health and Genetics/Laboratory Corporation of America, LabCorp
Classification: Pathogenic for Ataxia - oculomotor apraxia type 4. Last evaluated: 2025-12-23. Review status: criteria provided, single submitter. Criteria: LabCorp Variant Classification Summary - May 2015. Collection method: clinical testing. Allele origin: germline.
Comment: Variant summary: PNKP c.1207C>T (p.Gln403X) results in a premature termination codon, predicted to cause a truncation of the encoded protein or absence of the protein due to nonsense mediated decay, which are commonly known mechanisms for disease. The variant allele was found at a frequency of 9.3e-06 in 214274 control chromosomes (gnomAD). To our knowledge, no occurrence of c.1207C>T in individuals affected with PNKP-related conditions and no experimental evidence demonstrating its impact on protein function have been reported. ClinVar contains an entry for this variant (Variation ID: 383110). Based on the evidence outlined above, the variant was classified as pathogenic.

Labcorp Genetics (formerly Invitae), Labcorp
Classification: Pathogenic for Developmental and epileptic encephalopathy, 12. Last evaluated: 2023-03-26. Review status: criteria provided, single submitter. Criteria: Invitae Variant Classification Sherloc (09022015). Collection method: clinical testing. Allele origin: germline.
Comment: For these reasons, this variant has been classified as Pathogenic. ClinVar contains an entry for this variant (Variation ID: 383110). This variant has not been reported in the literature in individuals affected with PNKP-related conditions. This variant is present in population databases (rs372404688, gnomAD 0.002%). This sequence change creates a premature translational stop signal (p.Gln403*) in the PNKP gene. It is expected to result in an absent or disrupted protein product. Loss-of-function variants in PNKP are known to be pathogenic (PMID: 20118933, 25728773).

GeneDx
Classification: Likely pathogenic. Last evaluated: 2022-04-27. Review status: criteria provided, single submitter. Criteria: GeneDx Variant Classification Process June 2021. Collection method: clinical testing. Allele origin: germline. Affected: yes.
Comment: Nonsense variant predicted to result in protein truncation or nonsense mediated decay in a gene for which loss of function is a known mechanism of disease; Not observed at significant frequency in large population cohorts (gnomAD); Has not been previously published as pathogenic or benign to our knowledge

Literature cited by the submitters: PubMed 20118933 (cited by Labcorp Genetics (formerly Invitae), Labcorp); PubMed 25728773 (cited by Labcorp Genetics (formerly Invitae), Labcorp).

NM_007254.4(PNKP):c.1207C>T (p.Gln403Ter)

Gene: PNKP (polynucleotide kinase 3'-phosphatase; minus strand). Cytogenetic location: 19q13.33.
Variant type: single nucleotide variant.
Coding change: c.1207C>T on transcript NM_007254.4 (MANE Select); coding-DNA position 1207, C replaced by T.
Protein change: p.Gln403Ter; replaces glutamine 403 with a stop codon.
Molecular consequence: nonsense.
Genome position (GRCh38, 1-based): chr19:49,861,863, G>A on the plus strand (C>T on the coding strand, the complement: PNKP is on the minus strand). VCF-style: chr19-49861863-G-A. GRCh37 (hg19) VCF-style: chr19-50365120-G-A.
Other names: short protein forms Q403*.
Identifiers: ClinVar variation 383110 (VCV000383110.12), dbSNP rs372404688, ClinGen allele CA9586515.